The following is an entry in ClinVar:

ClinVar aggregate classification (germline): Uncertain significance (1 of 4 stars; one submission).

Allele frequency attached by ClinVar (database versions not stated): ExAC 0.00001; gnomAD 0.00001; gnomAD exomes 0.00001; TOPMed 0.00001.
gnomAD v4.1: 4 of 1,612,032 alleles (0.00025%); highest among the groups gnomAD compares: African/African-American, 0.0053%; no homozygotes.

Submission:

Labcorp Genetics (formerly Invitae), Labcorp
Classification: Uncertain significance. Last evaluated: 2022-03-13. Review status: criteria provided, single submitter. Criteria: Invitae Variant Classification Sherloc (09022015). Collection method: clinical testing. Allele origin: germline.
Comment: In summary, the available evidence is currently insufficient to determine the role of this variant in disease. Therefore, it has been classified as a Variant of Uncertain Significance. Algorithms developed to predict the effect of missense changes on protein structure and function are either unavailable or do not agree on the potential impact of this missense change (SIFT: "Tolerated"; PolyPhen-2: "Probably Damaging"; Align-GVGD: "Class C0"). This variant has not been reported in the literature in individuals affected with SBF1-related conditions. This variant is present in population databases (rs752860437, gnomAD 0.02%). This sequence change replaces proline, which is neutral and non-polar, with arginine, which is basic and polar, at codon 528 of the SBF1 protein (p.Pro528Arg).

NM_002972.4(SBF1):c.1583C>G (p.Pro528Arg)

Gene: SBF1 (SET binding factor 1; minus strand). Cytogenetic location: 22q13.33.
Variant type: single nucleotide variant.
Coding change: c.1583C>G on transcript NM_002972.4 (MANE Select); coding-DNA position 1583, C replaced by G.
Protein change: p.Pro528Arg; replaces proline 528 with arginine.
Molecular consequence: missense variant.
Genome position (GRCh38, 1-based): chr22:50,464,587, G>C on the plus strand (C>G on the coding strand, the complement: SBF1 is on the minus strand). VCF-style: chr22-50464587-G-C. GRCh37 (hg19) VCF-style: chr22-50903016-G-C.
Other names: c.1586C>G, p.Pro529Arg (NM_001365819.1, NM_001410794.1); c.1583C>G, p.Pro528Arg (NM_001410795.1, NM_197971.1); short protein forms P529R, P528R.
Identifiers: ClinVar variation 1906477 (VCV001906477.3), dbSNP rs752860437, ClinGen allele CA10317609.